The following is an entry in ClinVar:

NM_176787.5(PIGN):c.2147C>G (p.Ser716Ter)

Gene: PIGN (phosphatidylinositol glycan anchor biosynthesis class N; minus strand). Cytogenetic location: 18q21.33.
Variant type: single nucleotide variant.
Coding change: c.2147C>G on transcript NM_176787.5 (MANE Select); coding-DNA position 2147, C replaced by G.
Protein change: p.Ser716Ter; replaces serine 716 with a stop codon.
Molecular consequence: nonsense.
Genome position (GRCh38, 1-based): chr18:62,095,881, G>C on the plus strand (C>G on the coding strand, the complement: PIGN is on the minus strand). VCF-style: chr18-62095881-G-C. GRCh37 (hg19) VCF-style: chr18-59763114-G-C.
Other names: c.2147C>G, p.Ser716Ter (NM_012327.6); short protein forms S716*.
Identifiers: ClinVar variation 1364069 (VCV001364069.6), dbSNP rs1173098029, ClinGen allele CA402603021.

ClinVar aggregate classification (germline): Pathogenic (1 of 4 stars; one submission).

Conditions:
Multiple congenital anomalies-hypotonia-seizures syndrome 1 (MCAHS1). Also called: PIGN-CDG; Congenital disorder of glycosylation due to PIGN deficiency; GLYCOSYLPHOSPHATIDYLINOSITOL BIOSYNTHESIS DEFECT 3. Identifiers: Orphanet 280633, MedGen C3279775, MONDO:0013563, OMIM 614080.

Allele frequency attached by ClinVar (database versions not stated): gnomAD exomes below 0.00001.
gnomAD v4.1: 1 of 1,612,408 alleles (0.000062%); highest among the groups gnomAD compares: East Asian, 0.0022%; no homozygotes.

Submission:

Labcorp Genetics (formerly Invitae), Labcorp
Classification: Pathogenic for Multiple congenital anomalies-hypotonia-seizures syndrome 1. Last evaluated: 2024-05-12. Review status: criteria provided, single submitter. Criteria: Invitae Variant Classification Sherloc (09022015). Collection method: clinical testing. Allele origin: germline.
Comment: This sequence change creates a premature translational stop signal (p.Ser716*) in the PIGN gene. It is expected to result in an absent or disrupted protein product. Loss-of-function variants in PIGN are known to be pathogenic (PMID: 24253414, 27038415). This variant is present in population databases (no rsID available, gnomAD 0.006%). This variant has not been reported in the literature in individuals affected with PIGN-related conditions. ClinVar contains an entry for this variant (Variation ID: 1364069). For these reasons, this variant has been classified as Pathogenic.

Literature cited by the submitters: PubMed 24253414; PubMed 27038415.